The following is an entry in ClinVar:

NM_004304.5(ALK):c.3737T>C (p.Ile1246Thr)

Gene: ALK (ALK receptor tyrosine kinase; minus strand). Cytogenetic location: 2p23.2.
Variant type: single nucleotide variant.
Coding change: c.3737T>C on transcript NM_004304.5 (MANE Select); coding-DNA position 3737, T replaced by C.
Protein change: p.Ile1246Thr; replaces isoleucine 1246 with threonine.
Molecular consequence: missense variant.
Genome position (GRCh38, 1-based): chr2:29,213,990, A>G on the plus strand (T>C on the coding strand, the complement: ALK is on the minus strand). VCF-style: chr2-29213990-A-G. GRCh37 (hg19) VCF-style: chr2-29436856-A-G.
Other names: c.533T>C, p.Ile178Thr (NM_001353765.2); short protein forms I178T, I1246T.
Identifiers: ClinVar variation 3285794 (VCV003285794.1).

ClinVar aggregate classification (germline): Uncertain significance (1 of 4 stars; one submission).

Conditions:
Hereditary cancer-predisposing syndrome. Also called: Tumor predisposition; Hereditary Cancer Syndrome; Hereditary neoplastic syndrome; Neoplastic Syndromes, Hereditary. Identifiers: Orphanet 140162, MedGen C0027672, MeSH D009386, MONDO:0015356.

Submission:

Ambry Genetics
Classification: Uncertain significance for Hereditary cancer-predisposing syndrome. Last evaluated: 2024-04-01. Review status: criteria provided, single submitter. Criteria: Ambry Variant Classification Scheme 2023. Collection method: clinical testing. Allele origin: germline.
Comment: The p.I1246T variant (also known as c.3737T>C), located in coding exon 24 of the ALK gene, results from a T to C substitution at nucleotide position 3737. The isoleucine at codon 1246 is replaced by threonine, an amino acid with similar properties. This amino acid position is conserved. In addition, this alteration is predicted to be deleterious by in silico analysis. Based on the available evidence, the clinical significance of this alteration remains unclear.